The following is an entry in ClinVar:

ClinVar aggregate classification (germline): Likely benign (1 of 4 stars; one submission).

Submission:

CeGaT Center for Human Genetics Tuebingen
Classification: Likely benign. Last evaluated: 2022-05-01. Review status: criteria provided, single submitter. Criteria: CeGaT Center For Human Genetics Tuebingen Variant Classification Criteria Version 2. Collection method: clinical testing. Allele origin: germline. Affected: yes. Observed: 1 variant allele.
Comment: NDUFS7: PM2:Supporting, BP4, BP7

NM_024407.5(NDUFS7):c.393C>G (p.Ala131=)

Gene: NDUFS7 (NADH:ubiquinone oxidoreductase core subunit S7; plus strand). Cytogenetic location: 19p13.3.
Variant type: single nucleotide variant.
Coding change: c.393C>G on transcript NM_024407.5 (MANE Select); coding-DNA position 393, C replaced by G.
Protein change: p.Ala131=; no amino-acid change (alanine 131 retained).
Molecular consequence: synonymous variant.
Genome position (GRCh38, 1-based): chr19:1,391,035, C>G. VCF-style: chr19-1391035-C-G. GRCh37 (hg19) VCF-style: chr19-1391034-C-G.
Other names: c.393C>G, p.Ala131= (NM_001363602.2).
Identifiers: ClinVar variation 2648917 (VCV002648917.24), dbSNP rs1462806693, ClinGen allele CA504895165.
Genomic context (GRCh38, chr19:1,391,035, plus strand): 5'-CGCCAGCCCGCGCCAGTCCGACGTCATGATCGTGGCCGGCACACTCACCAACAAGATGGC[C>G]CCAGCGCTTCGCAAGGTAGGCCTCGTCCCAGCCGCCCAGCCGCCCCCAGAGTGAGCTGCG-3'
Protein context (NP_077718.3, residues 121-141): IVAGTLTNKM[Ala131=]PALRKVYDQM